The following is an entry in ClinVar:

ClinVar aggregate classification (germline): Uncertain significance (1 of 4 stars; one submission).

Allele frequency attached by ClinVar (database versions not stated): TOPMed 0.00001.

Submission:

Labcorp Genetics (formerly Invitae), Labcorp
Classification: Uncertain significance. Last evaluated: 2023-07-10. Review status: criteria provided, single submitter. Criteria: Invitae Variant Classification Sherloc (09022015). Collection method: clinical testing. Allele origin: germline.
Comment: This variant has not been reported in the literature in individuals affected with RFWD3-related conditions. This variant is not present in population databases (gnomAD no frequency). This sequence change replaces tyrosine, which is neutral and polar, with cysteine, which is neutral and slightly polar, at codon 196 of the RFWD3 protein (p.Tyr196Cys). An algorithm developed to predict the effect of missense changes on protein structure and function (PolyPhen-2) suggests that this variant is likely to be tolerated. In summary, the available evidence is currently insufficient to determine the role of this variant in disease. Therefore, it has been classified as a Variant of Uncertain Significance.

NM_018124.4(RFWD3):c.587A>G (p.Tyr196Cys)

Gene: RFWD3 (ring finger and WD repeat domain 3; minus strand). Cytogenetic location: 16q23.1.
Variant type: single nucleotide variant.
Coding change: c.587A>G on transcript NM_018124.4 (MANE Select); coding-DNA position 587, A replaced by G.
Protein change: p.Tyr196Cys; replaces tyrosine 196 with cysteine.
Molecular consequence: missense variant. On other transcripts: 5 prime UTR variant (4), intron variant (1).
Genome position (GRCh38, 1-based): chr16:74,652,054, T>C on the plus strand (A>G on the coding strand, the complement: RFWD3 is on the minus strand). VCF-style: chr16-74652054-T-C. GRCh37 (hg19) VCF-style: chr16-74685952-T-C.
Other names: c.587A>G, p.Tyr196Cys (NM_001370534.1, NM_001370535.1, NM_001370536.1); c.-422A>G (NM_001370537.1); c.-248A>G (NM_001370540.1); c.-299A>G (NM_001370542.1); c.-177A>G (NM_001370543.1); c.-113-2852A>G (NM_001370539.1); short protein forms Y196C.
Identifiers: ClinVar variation 2878984 (VCV002878984.3), dbSNP rs1960610992, ClinGen allele CA396763587.